The following is an entry in ClinVar:

NM_004281.4(BAG3):c.406T>G (p.Ser136Ala)

Gene: BAG3 (BAG cochaperone 3; plus strand). Cytogenetic location: 10q26.11.
Variant type: single nucleotide variant.
Coding change: c.406T>G on transcript NM_004281.4 (MANE Select); coding-DNA position 406, T replaced by G.
Protein change: p.Ser136Ala; replaces serine 136 with alanine.
Molecular consequence: missense variant.
Genome position (GRCh38, 1-based): chr10:119,670,076, T>G. VCF-style: chr10-119670076-T-G. GRCh37 (hg19) VCF-style: chr10-121429588-T-G.
Other names: short protein forms S136A.
Identifiers: ClinVar variation 4792908 (VCV004792908.1).

ClinVar aggregate classification (germline): Uncertain significance (1 of 4 stars; one submission).

Conditions:
Myofibrillar myopathy 6. Identifiers: Orphanet 199340, MedGen C2751831, MONDO:0013061, OMIM 612954.
Dilated cardiomyopathy 1HH (CMD1HH). Identifiers: Orphanet 154, MedGen C3151293, MONDO:0013479, OMIM 613881.

Submission:

Labcorp Genetics (formerly Invitae), Labcorp
Classification: Uncertain significance for Dilated cardiomyopathy 1HH; Myofibrillar myopathy 6. Last evaluated: 2025-03-05. Review status: criteria provided, single submitter. Criteria: Invitae Variant Classification Sherloc (09022015). Collection method: clinical testing. Allele origin: germline.
Comment: This sequence change replaces serine, which is neutral and polar, with alanine, which is neutral and non-polar, at codon 136 of the BAG3 protein (p.Ser136Ala). This variant is not present in population databases (gnomAD no frequency). This variant has not been reported in the literature in individuals affected with BAG3-related conditions. Invitae Evidence Modeling of protein sequence and biophysical properties (such as structural, functional, and spatial information, amino acid conservation, physicochemical variation, residue mobility, and thermodynamic stability) indicates that this missense variant is expected to disrupt BAG3 protein function with a positive predictive value of 80%. In summary, the available evidence is currently insufficient to determine the role of this variant in disease. Therefore, it has been classified as a Variant of Uncertain Significance.